The following is an entry in ClinVar:

NM_006343.3(MERTK):c.2424_2432del (p.Glu808_Tyr810del)

Gene: MERTK (MER proto-oncogene, tyrosine kinase; plus strand). Cytogenetic location: 2q13.
Variant type: Deletion.
Coding change: c.2424_2432del on transcript NM_006343.3 (MANE Select); coding-DNA positions 2424 to 2432, 9 bases deleted (GATGTATGA; older notation c.2424_2432delGATGTATGA).
Protein change: p.Glu808_Tyr810del.
Genome position (GRCh38, 1-based): chr2:112,022,332-112,022,340, GATGTATGA deleted; deleting any 9 consecutive bases within chr2:112,022,328-112,022,340 gives the same sequence; the c. name uses the placement nearest the transcript's 3' end. VCF-style (leftmost placement, unchanged base first): chr2-112022327-CATGAGATGT-C. GRCh37 (hg19) VCF-style: chr2-112779904-CATGAGATGT-C.
Other names: p.E808_Y810del; c.2424_2432delGATGTATGA (NM_006343.3).
Identifiers: ClinVar variation 4795879 (VCV004795879.1).
Genomic context (GRCh38, chr2:112,022,327, plus strand): 5'-GGCGTGACCATGTGGGAAATAGCTACGCGGGGAATGACTCCCTATCCTGGGGTCCAGAAC[CATGAGATGT>C]ATGACTATCTTCTCCATGGCCACAGGTTGAAGCAGCCCGAAGACTGCCTGGATGAACTGT-3'

ClinVar aggregate classification (germline): Likely pathogenic (1 of 4 stars; one submission).

Conditions:
Retinitis pigmentosa 38 (RP38). Also called: ROD-CONE DYSTROPHY, CHILDHOOD-ONSET. Identifiers: Orphanet 791, MedGen C3151228, MONDO:0013469, OMIM 613862.

Submission:

Genetic Diseases Diagnosis Center, Ankara Bilkent City Hospital
Classification: Likely pathogenic for Retinitis pigmentosa 38. Last evaluated: 2026-02-04. Review status: criteria provided, single submitter. Criteria: ACMG Guidelines, 2015. Collection method: clinical testing. Allele origin: germline. Inheritance: Autosomal recessive inheritance. Affected: yes. Observed: 1 compound heterozygote.
Comment: The variant MERTK (NM_006343.3): c.2424_2432delGATGTATGA (p.Glu808_Tyr810del) is an in-frame deletion affecting a functionally important region of the protein, where pathogenic variants have been previously reported. Therefore, this variant meets PM1 (moderate evidence of pathogenicity). This variant is absent from population databases, including gnomAD and other large-scale control cohorts, supporting PM2 (moderate evidence of pathogenicity). The in-frame deletion alters the protein length without disrupting the reading frame, fulfilling PM4 (moderate evidence of pathogenicity). Multiple in silico prediction tools support a deleterious effect of this variant on protein function, supporting PP3 (supporting evidence). Based on the ACMG/AMP guidelines, the combination of PM1 + PM2 + PM4 + PP3 supports classification of this variant as Likely Pathogenic.